The following is an entry in ClinVar:

ClinVar aggregate classification (germline): Uncertain significance (1 of 4 stars; one submission).

Conditions:
Inborn genetic diseases. Identifiers: MedGen C0950123, MeSH D030342.

gnomAD v4.1: 1 of 1,611,556 alleles (0.000062%); highest among the groups gnomAD compares: Non-Finnish European, 0.000085%; no homozygotes.

Submission:

Ambry Genetics
Classification: Uncertain significance for Inborn genetic diseases. Last evaluated: 2025-08-05. Review status: criteria provided, single submitter. Criteria: Ambry Variant Classification Scheme 2023. Collection method: clinical testing. Allele origin: germline.
Comment: The p.A987S variant (also known as c.2959G>T), located in coding exon 20 of the PIK3CA gene, results from a G to T substitution at nucleotide position 2959. The alanine at codon 987 is replaced by serine, an amino acid with similar properties. This amino acid position is conserved. In addition, the in silico prediction for this alteration is inconclusive. Based on the available evidence, the clinical significance of this variant remains unclear.

NM_006218.4(PIK3CA):c.2959G>T (p.Ala987Ser)

Gene: PIK3CA (phosphatidylinositol-4,5-bisphosphate 3-kinase catalytic subunit alpha; plus strand). Cytogenetic location: 3q26.32.
Variant type: single nucleotide variant.
Coding change: c.2959G>T on transcript NM_006218.4 (MANE Select); coding-DNA position 2959, G replaced by T.
Protein change: p.Ala987Ser; replaces alanine 987 with serine.
Molecular consequence: missense variant.
Genome position (GRCh38, 1-based): chr3:179,234,116, G>T. VCF-style: chr3-179234116-G-T. GRCh37 (hg19) VCF-style: chr3-178951904-G-T.
Other names: short protein forms A987S.
Identifiers: ClinVar variation 4136796 (VCV004136796.1).